The following is an entry in ClinVar:

NM_001288705.3(CSF1R):c.2442+2dup

Gene: CSF1R (colony stimulating factor 1 receptor; minus strand). Cytogenetic location: 5q32.
Variant type: Duplication.
Coding change: c.2442+2dup on transcript NM_001288705.3 (MANE Select); the canonical splice donor site of the intron after coding-DNA position 2442, one base duplicated (T; older notation c.2442+2dupT).
Molecular consequence: splice donor variant.
Genome position (GRCh38, 1-based): chr5:150,056,217, A duplicated on the plus strand (T on the coding strand, the reverse complement: CSF1R is on the minus strand). VCF-style (leftmost placement, unchanged base first): chr5-150056216-T-TA. GRCh37 (hg19) VCF-style: chr5-149435779-T-TA.
Other names: c.1998+2dup (NM_001375321.1); c.2442+2dup (NM_005211.4, NM_001375320.1, NM_001349736.2).
Identifiers: ClinVar variation 1435612 (VCV001435612.9), dbSNP rs2113779247, ClinGen allele CA2573139284.

ClinVar aggregate classification (germline): Conflicting classifications of pathogenicity. Review status: criteria provided, conflicting classifications (1 of 4 stars). 2 submissions from 2 submitters: Pathogenic (1); Uncertain significance (1). Last evaluated 2024-01-04.

Conditions:
CSF1R-Related Adult-Onset Leukoencephalopathy.

Submissions (2):

NYU Undiagnosed Diseases Program, NYU School of Medicine
Classification: Pathogenic for CSF1R-Related Adult-Onset Leukoencephalopathy. Last evaluated: 2024-01-04. Review status: criteria provided, single submitter. Criteria: ACMG Guidelines, 2015. Collection method: research. Allele origin: germline, not applicable. Inheritance: Autosomal dominant inheritance. Affected: yes. Observed: 1 heterozygote. Functional consequence: sequence_variant_affecting_splicing.
Comment: This variant is absent from the Genome Aggregation Database (gnomADv3 & v4). Additionally, RNA-sequencing demonstrated that this variant in CSF1R causes exon 17 to be skipped and replaced with either one of two novel abnormal exons (pseudoexons) that form inside of intron 16. The deleted exon is within the cytoplasmic protein kinase domain and spans most of the activation loop, which plays an important role in the regulation of kinase activity. Phosphorylation of tyrosine residues in this region leads to a conformational change and activation of the kinase (UniProt). There are also known pathogenic variants in this same domain (PMID: 36943150).

Labcorp Genetics (formerly Invitae), Labcorp
Classification: Uncertain significance. Last evaluated: 2021-09-20. Review status: criteria provided, single submitter. Criteria: Invitae Variant Classification Sherloc (09022015). Collection method: clinical testing. Allele origin: germline.
Comment: In summary, the available evidence is currently insufficient to determine the role of this variant in disease. Therefore, it has been classified as a Variant of Uncertain Significance. Nucleotide substitutions within the consensus splice site are a relatively common cause of aberrant splicing (PMID: 17576681, 9536098). Algorithms developed to predict the effect of sequence changes on RNA splicing suggest that this variant may disrupt the consensus splice site. This variant has not been reported in the literature in individuals affected with CSF1R-related conditions. This variant is not present in population databases (ExAC no frequency). This sequence change falls in intron 18 of the CSF1R gene. It does not directly change the encoded amino acid sequence of the CSF1R protein. It affects a nucleotide within the consensus splice site of the intron.

Literature cited by the submitters: PubMed 17576681 (cited by Labcorp Genetics (formerly Invitae), Labcorp); PubMed 9536098 (cited by Labcorp Genetics (formerly Invitae), Labcorp).